The following is an entry in ClinVar:

ClinVar aggregate classification (germline): Uncertain significance (1 of 4 stars; one submission).

Submission:

Labcorp Genetics (formerly Invitae), Labcorp
Classification: Uncertain significance. Last evaluated: 2025-03-30. Review status: criteria provided, single submitter. Criteria: Invitae Variant Classification Sherloc (09022015). Collection method: clinical testing. Allele origin: germline.
Comment: This sequence change replaces glutamic acid, which is acidic and polar, with valine, which is neutral and non-polar, at codon 596 of the ALPK1 protein (p.Glu596Val). This variant is not present in population databases (gnomAD no frequency). This variant has not been reported in the literature in individuals affected with ALPK1-related conditions. ClinVar contains an entry for this variant (Variation ID: 1963595). Invitae Evidence Modeling of protein sequence and biophysical properties (such as structural, functional, and spatial information, amino acid conservation, physicochemical variation, residue mobility, and thermodynamic stability) indicates that this missense variant is expected to disrupt ALPK1 protein function with a positive predictive value of 80%. In summary, the available evidence is currently insufficient to determine the role of this variant in disease. Therefore, it has been classified as a Variant of Uncertain Significance.

NM_025144.4(ALPK1):c.1787A>T (p.Glu596Val)

Gene: ALPK1 (alpha kinase 1; plus strand). Cytogenetic location: 4q25.
Variant type: single nucleotide variant.
Coding change: c.1787A>T on transcript NM_025144.4 (MANE Select); coding-DNA position 1787, A replaced by T.
Protein change: p.Glu596Val; replaces glutamic acid 596 with valine.
Molecular consequence: missense variant.
Genome position (GRCh38, 1-based): chr4:112,431,334, A>T. VCF-style: chr4-112431334-A-T. GRCh37 (hg19) VCF-style: chr4-113352490-A-T.
Other names: c.1787A>T, p.Glu596Val (NM_001102406.2); c.1553A>T, p.Glu518Val (NM_001253884.2); short protein forms E518V, E596V.
Identifiers: ClinVar variation 1963595 (VCV001963595.5), dbSNP rs942678995, ClinGen allele CA103763373.